The following is an entry in ClinVar:

NM_001384732.1(CPLANE1):c.6734G>T (p.Ser2245Ile)

Gene: CPLANE1 (ciliogenesis and planar polarity effector complex subunit 1; minus strand). Cytogenetic location: 5p13.2.
Variant type: single nucleotide variant.
Coding change: c.6734G>T on transcript NM_001384732.1 (MANE Select); coding-DNA position 6734, G replaced by T.
Protein change: p.Ser2245Ile; replaces serine 2245 with isoleucine.
Molecular consequence: missense variant.
Genome position (GRCh38, 1-based): chr5:37,169,290, C>A on the plus strand (G>T on the coding strand, the complement: CPLANE1 is on the minus strand). VCF-style: chr5-37169290-C-A. GRCh37 (hg19) VCF-style: chr5-37169392-C-A.
Other names: c.6734G>T, p.Ser2245Ile (NM_023073.4); short protein forms S2245I.
Identifiers: ClinVar variation 1400380 (VCV001400380.7), dbSNP rs750897841, ClinGen allele CA359479914.
Genomic context (GRCh38, chr5:37,169,290, plus strand): 5'-TCAGATAATCCCCAAGCCTCTCTTGGTTGTGGCAAAGGCCTGAAGGGAACTTGTGGAATA[C>A]TTCCTGTATGTAAGAAAAGGGGCTGGAATTCTTGTTTAGACTTAAATTGAAGCAAAGGAA-3'
Protein context (NP_001371661.1, residues 2235-2255): EFQPLFLHTG[Ser2245Ile]IPQVPFRPLP

ClinVar aggregate classification (germline): Uncertain significance. Review status: criteria provided, multiple submitters, no conflicts (2 of 4 stars). 2 submissions from 2 submitters: Uncertain significance (2). Last evaluated 2024-05-14.

Conditions:
Orofaciodigital syndrome type 6 (OFD6). Also called: OROFACIODIGITAL SYNDROME VI; OFDS VI; POLYDACTYLY, CLEFT LIP/PALATE OR LINGUAL LUMP, AND PSYCHOMOTOR RETARDATION; VARADI SYNDROME; VARADI-PAPP SYNDROME; Oral-facial-digital syndrome type 6. Identifiers: Orphanet 2754, MedGen C2745997, MONDO:0010176, OMIM 277170.
Joubert syndrome 17 (JBTS17). Identifiers: Orphanet 475, MedGen C3553264, MONDO:0013824, OMIM 614615.

Allele frequency attached by ClinVar (database versions not stated): gnomAD exomes 0.00001; gnomAD 0.00002; TOPMed 0.00002.
gnomAD v4.1: 18 of 1,614,054 alleles (0.0011%); highest among the groups gnomAD compares: Admixed American, 0.005%; no homozygotes.

Submissions (2):

Fulgent Genetics
Classification: Uncertain significance for Orofaciodigital syndrome type 6; Joubert syndrome 17. Last evaluated: 2024-05-14. Review status: criteria provided, single submitter. Criteria: ACMG Guidelines, 2015. Collection method: clinical testing. Allele origin: germline.

Labcorp Genetics (formerly Invitae), Labcorp
Classification: Uncertain significance. Last evaluated: 2022-07-29. Review status: criteria provided, single submitter. Criteria: Invitae Variant Classification Sherloc (09022015). Collection method: clinical testing. Allele origin: germline.
Comment: This sequence change replaces serine, which is neutral and polar, with isoleucine, which is neutral and non-polar, at codon 2245 of the CPLANE1 protein (p.Ser2245Ile). This variant is present in population databases (no rsID available, gnomAD 0.003%). This variant has not been reported in the literature in individuals affected with CPLANE1-related conditions. ClinVar contains an entry for this variant (Variation ID: 1400380). Advanced modeling of protein sequence and biophysical properties (such as structural, functional, and spatial information, amino acid conservation, physicochemical variation, residue mobility, and thermodynamic stability) performed at Invitae indicates that this missense variant is not expected to disrupt CPLANE1 protein function. In summary, the available evidence is currently insufficient to determine the role of this variant in disease. Therefore, it has been classified as a Variant of Uncertain Significance.